The following is an entry in ClinVar:

NM_000138.5(FBN1):c.3405T>A (p.Ser1135Arg)

Gene: FBN1 (fibrillin 1; minus strand). Cytogenetic location: 15q21.1.
Variant type: single nucleotide variant.
Coding change: c.3405T>A on transcript NM_000138.5 (MANE Select); coding-DNA position 3405, T replaced by A.
Protein change: p.Ser1135Arg; replaces serine 1135 with arginine.
Molecular consequence: missense variant.
Genome position (GRCh38, 1-based): chr15:48,487,370, A>T on the plus strand (T>A on the coding strand, the complement: FBN1 is on the minus strand). VCF-style: chr15-48487370-A-T. GRCh37 (hg19) VCF-style: chr15-48779567-A-T.
Other names: short protein forms S1135R.
Identifiers: ClinVar variation 918493 (VCV000918493.13), dbSNP rs777727844, ClinGen allele CA050521.
Genomic context (GRCh38, chr15:48,487,370, plus strand): 5'-ACCGATACACGCGGAGATGTTGGGGGACAGCTGATGGCCAGGCGGGCATTCACAGCGGTA[A>T]CTTCCCTCTGTGTTATGGCAAACACCACCTCGGCATAGGAGAGGATCTCTCTGACACTCA-3'
Protein context (NP_000129.3, residues 1125-1145): RGGVCHNTEG[Ser1135Arg]YRCECPPGHQ

ClinVar aggregate classification (germline): Uncertain significance. Review status: criteria provided, multiple submitters, no conflicts (2 of 4 stars). 3 submissions from 3 submitters: Uncertain significance (3). Last evaluated 2025-06-20.

Conditions:
Marfan syndrome (MFS). Also called: Marfan syndrome, classic; Marfan syndrome type 1; Marfan's syndrome; FBN1-Related Marfan Syndrome; MARFAN SYNDROME, TYPE I. Identifiers: Orphanet 284963, Orphanet 558, MedGen C0024796, MONDO:0007947, OMIM 154700.
Familial thoracic aortic aneurysm and aortic dissection (TAAD). Also called: Thoracic aortic aneurysms and dissections. Identifiers: Orphanet 91387, MedGen C4707243, MONDO:0019625.

Allele frequency attached by ClinVar (database versions not stated): gnomAD exomes below 0.00001; TOPMed 0.00002; ExAC 0.00002; gnomAD 0.00001.
gnomAD v4.1: 4 of 1,614,096 alleles (0.00025%); highest among the groups gnomAD compares: Non-Finnish European, 0.00034%; no homozygotes.

Submissions (3):

Color Diagnostics, LLC DBA Color Health
Classification: Uncertain significance for Familial thoracic aortic aneurysm and aortic dissection. Last evaluated: 2025-06-20. Review status: criteria provided, single submitter. Criteria: ACMG Guidelines, 2015. Collection method: clinical testing. Allele origin: germline.
Comment: This missense variant replaces serine with arginine at codon 1135 of the FBN1 protein. Computational prediction suggests that this variant may have deleterious impact on protein structure and function. To our knowledge, functional studies have not been reported for this variant. This variant has not been reported in individuals affected with FBN1-related disorders in the literature. This variant has been identified in 1/251478 chromosomes in the general population by the Genome Aggregation Database (gnomAD). The available evidence is insufficient to determine the role of this variant in disease conclusively. Therefore, this variant is classified as a Variant of Uncertain Significance.

All of Us Research Program, National Institutes of Health
Classification: Uncertain significance for Marfan syndrome. Last evaluated: 2023-11-30. Review status: criteria provided, single submitter. Criteria: ACMG Guidelines, 2015. Collection method: clinical testing. Allele origin: germline. Inheritance: Autosomal dominant inheritance. Observed: 3 variant alleles, 3 heterozygotes.
Comment: This missense variant replaces serine with arginine at codon 1135 of the FBN1 protein. Computational prediction suggests that this variant may have deleterious impact on protein structure and function (internally defined REVEL score threshold >= 0.7, PMID: 27666373). To our knowledge, functional studies have not been reported for this variant. This variant has not been reported in individuals affected with cardiovascular disorders in the literature. This variant has been identified in 1/251478 chromosomes in the general population by the Genome Aggregation Database (gnomAD). The available evidence is insufficient to determine the role of this variant in disease conclusively. Therefore, this variant is classified as a Variant of Uncertain Significance.

This study involves interpretation of variants in research participants for the purpose of population health screening. Participant phenotype was not available at the time of variant classification. Additional details can be found in publication PMID: 35346344, PMCID: PMC8962531

Labcorp Genetics (formerly Invitae), Labcorp
Classification: Uncertain significance for Marfan syndrome; Familial thoracic aortic aneurysm and aortic dissection. Last evaluated: 2023-09-19. Review status: criteria provided, single submitter. Criteria: Invitae Variant Classification Sherloc (09022015). Collection method: clinical testing. Allele origin: germline.
Comment: This sequence change replaces serine, which is neutral and polar, with arginine, which is basic and polar, at codon 1135 of the FBN1 protein (p.Ser1135Arg). This variant is present in population databases (rs777727844, gnomAD 0.006%). This variant has not been reported in the literature in individuals affected with FBN1-related conditions. ClinVar contains an entry for this variant (Variation ID: 918493). Advanced modeling of protein sequence and biophysical properties (such as structural, functional, and spatial information, amino acid conservation, physicochemical variation, residue mobility, and thermodynamic stability) performed at Invitae indicates that this missense variant is expected to disrupt FBN1 protein function. In summary, the available evidence is currently insufficient to determine the role of this variant in disease. Therefore, it has been classified as a Variant of Uncertain Significance.